The following is an entry in ClinVar:

ClinVar aggregate classification (germline): Uncertain significance (1 of 4 stars; one submission).

Conditions:
SPTBN5-related disorder. Also called: SPTBN5-related condition.

Allele frequency attached by ClinVar (database versions not stated): gnomAD exomes below 0.00001; TOPMed below 0.00001; ExAC 0.00001.

Submission:

PreventionGenetics, part of Exact Sciences
Classification: Uncertain significance for SPTBN5-related condition. Last evaluated: 2023-08-24. Review status: criteria provided, single submitter. Criteria: ACMG Guidelines, 2015. Collection method: clinical testing. Allele origin: germline.
Comment: The SPTBN5 c.9424-1G>C variant is predicted to disrupt the AG splice acceptor site and interfere with normal splicing. To our knowledge, this variant has not been reported in the literature or in a large population database, indicating this variant is rare. Only a few protein-truncating variants have been reported in this gene to date (Human Gene Mutation Database. Although we suspect that this variant may be pathogenic, at this time, the clinical significance of this variant is uncertain due to the absence of conclusive functional and genetic evidence.

NM_016642.4(SPTBN5):c.9424-1G>C

Gene: SPTBN5 (spectrin beta, non-erythrocytic 5; minus strand). Cytogenetic location: 15q15.1.
Variant type: single nucleotide variant.
Coding change: c.9424-1G>C on transcript NM_016642.4 (MANE Select); the canonical splice acceptor site of the intron before coding-DNA position 9424, G replaced by C.
Molecular consequence: splice acceptor variant.
Genome position (GRCh38, 1-based): chr15:41,854,977, C>G on the plus strand (G>C on the coding strand, the complement: SPTBN5 is on the minus strand). VCF-style: chr15-41854977-C-G. GRCh37 (hg19) VCF-style: chr15-42147175-C-G.
Identifiers: ClinVar variation 2634848 (VCV002634848.1), dbSNP rs770832133, ClinGen allele CA7501423.